The following is an entry in ClinVar:

ClinVar aggregate classification (germline): Conflicting classifications of pathogenicity. Review status: criteria provided, conflicting classifications (1 of 4 stars). 2 submissions from 2 submitters: Uncertain significance (1); Likely benign (1). Last evaluated 2024-10-02.

Allele frequency attached by ClinVar (database versions not stated): gnomAD 0.00004; TOPMed 0.00004; ExAC 0.00005; gnomAD exomes 0.00005; 1000 Genomes Project 0.00020; 1000 Genomes Project 30x 0.00031.
gnomAD v4.1: 64 of 1,613,794 alleles (0.004%); highest among the groups gnomAD compares: Non-Finnish European, 0.0051%; no homozygotes.

Submissions (2):

Blueprint Genetics
Classification: Likely benign. Last evaluated: 2024-10-02. Review status: criteria provided, single submitter. Criteria: ACMG Guidelines, 2015. Collection method: clinical testing. Allele origin: germline.

Labcorp Genetics (formerly Invitae), Labcorp
Classification: Uncertain significance. Last evaluated: 2022-08-09. Review status: criteria provided, single submitter. Criteria: Invitae Variant Classification Sherloc (09022015). Collection method: clinical testing. Allele origin: germline.
Comment: This sequence change replaces threonine, which is neutral and polar, with methionine, which is neutral and non-polar, at codon 1046 of the TBCD protein (p.Thr1046Met). This variant is present in population databases (rs541191622, gnomAD 0.01%). This variant has not been reported in the literature in individuals affected with TBCD-related conditions. ClinVar contains an entry for this variant (Variation ID: 1376356). Algorithms developed to predict the effect of missense changes on protein structure and function output the following: SIFT: "Tolerated"; PolyPhen-2: "Benign"; Align-GVGD: "Class C0". The methionine amino acid residue is found in multiple mammalian species, which suggests that this missense change does not adversely affect protein function. In summary, the available evidence is currently insufficient to determine the role of this variant in disease. Therefore, it has been classified as a Variant of Uncertain Significance.

NM_005993.5(TBCD):c.3137C>T (p.Thr1046Met)

Gene: TBCD (tubulin folding cofactor D). Cytogenetic location: 17q25.3.
Variant type: single nucleotide variant.
Coding change: c.3137C>T on transcript NM_005993.5 (MANE Select); coding-DNA position 3137, C replaced by T.
Protein change: p.Thr1046Met; replaces threonine 1046 with methionine.
Molecular consequence: missense variant.
Genome position (GRCh38, 1-based): chr17:82,932,681, C>T. VCF-style: chr17-82932681-C-T. GRCh37 (hg19) VCF-style: chr17-80890557-C-T.
Other names: short protein forms T1046M.
Identifiers: ClinVar variation 1376356 (VCV001376356.6), dbSNP rs541191622, ClinGen allele CA8863417.